The following is an entry in ClinVar:

ClinVar aggregate classification (germline): Uncertain significance (1 of 4 stars; one submission).

Conditions:
NRP2-related disorder. Also called: NRP2-related condition.

gnomAD v4.1: 3 of 1,614,200 alleles (0.00019%); highest among the groups gnomAD compares: South Asian, 0.0011%; no homozygotes.

Submission:

PreventionGenetics, part of Exact Sciences
Classification: Uncertain significance for NRP2-related condition. Last evaluated: 2026-06-16. Review status: criteria provided, single submitter. Criteria: ACMG Guidelines, 2015. Collection method: clinical testing. Allele origin: germline.
Comment: The NRP2 c.1519C>T variant is predicted to result in the amino acid substitution p.Arg507Cys. This variant has been reported in an individual with first branchial cleft anomalies, who also carried variants in other genes (see Chr2:206608154 in Table 2, Yang et al. 2021. PubMed ID: 34589676). This variant is reported in 0.00088% of alleles in individuals of European (Non-Finnish) descent in gnomAD. At this time, the clinical significance of this variant is uncertain due to the absence of conclusive functional and genetic evidence.

NM_003872.3(NRP2):c.1519C>T (p.Arg507Cys)

Gene: NRP2 (neuropilin 2; plus strand). Cytogenetic location: 2q33.3.
Variant type: single nucleotide variant.
Coding change: c.1519C>T on transcript NM_003872.3 (MANE Select); coding-DNA position 1519, C replaced by T.
Protein change: p.Arg507Cys; replaces arginine 507 with cysteine.
Molecular consequence: missense variant.
Genome position (GRCh38, 1-based): chr2:205,743,430, C>T. VCF-style: chr2-205743430-C-T. GRCh37 (hg19) VCF-style: chr2-206608154-C-T.
Other names: c.1519C>T, p.Arg507Cys (NM_018534.4, NM_201264.2, NM_201266.2 and 2 more transcripts); short protein forms R507C.
Identifiers: ClinVar variation 4977334 (VCV004977334.1).